The following is an entry in ClinVar:

ClinVar aggregate classification (germline): Pathogenic (1 of 4 stars; one submission).

Conditions:
Cockayne syndrome type 1. Also called: Cockayne syndrome type I; Cockayne syndrome classical; Cockayne syndrome classic form. Identifiers: Orphanet 191, Orphanet 90321, MedGen C0751039, MONDO:0019569, OMIM 216400.

Submissions (2):

Myriad Genetics, Inc.
Classification: Pathogenic for Cockayne syndrome type 1. Last evaluated: 2023-10-21. Review status: criteria provided, single submitter. Criteria: Myriad Autosomal Dominant, Autosomal Recessive and X-Linked Classification Criteria (2023). Collection method: clinical testing. Allele origin: unknown.
Comment: NM_000082.3(ERCC8):c.1039C>T(Q347*) is expected to be pathogenic in the context of ERCC8-related disorders. This variant is predicted to lead to an abnormal or absent protein product due to the creation of a premature termination codon in ERCC8, a gene where loss-of-function variants are known to be pathogenic. Please note: this variant was assessed in the context of healthy population screening.

Dr. Peter K. Rogan Lab, Western University
No classification provided (evidence only). Condition: Cervical cancer. Review status: no classification provided. Collection method: in vitro. Allele origin: not applicable. Functional consequence: skipped exon, retained intron. Not counted in ClinVar's aggregate classification.

NM_000082.4(ERCC8):c.1039C>T (p.Gln347Ter)

Gene: ERCC8 (ERCC excision repair 8, CSA ubiquitin ligase complex subunit; minus strand). Cytogenetic location: 5q12.1.
Variant type: single nucleotide variant.
Coding change: c.1039C>T on transcript NM_000082.4 (MANE Select); coding-DNA position 1039, C replaced by T.
Protein change: p.Gln347Ter; replaces glutamine 347 with a stop codon.
Molecular consequence: nonsense.
Genome position (GRCh38, 1-based): chr5:60,890,891, G>A on the plus strand (C>T on the coding strand, the complement: ERCC8 is on the minus strand). VCF-style: chr5-60890891-G-A. GRCh37 (hg19) VCF-style: chr5-60186718-G-A.
Other names: NC_000005.9:g.60186718G>A; c.865C>T, p.Gln289Ter (NM_001007233.3); c.580C>T, p.Gln194Ter (NM_001290285.2); short protein forms Q194*, Q289*, Q347*.
Identifiers: ClinVar variation 4317054 (VCV004317054.2).